The following is an entry in ClinVar:

NM_005618.4(DLL1):c.718C>A (p.Pro240Thr)

Gene: DLL1 (delta like canonical Notch ligand 1; minus strand). Cytogenetic location: 6q27.
Variant type: single nucleotide variant.
Coding change: c.718C>A on transcript NM_005618.4 (MANE Select); coding-DNA position 718, C replaced by A.
Protein change: p.Pro240Thr; replaces proline 240 with threonine.
Molecular consequence: missense variant.
Genome position (GRCh38, 1-based): chr6:170,286,251, G>T on the plus strand (C>A on the coding strand, the complement: DLL1 is on the minus strand). VCF-style: chr6-170286251-G-T. GRCh37 (hg19) VCF-style: chr6-170595339-G-T.
Other names: short protein forms P240T.
Identifiers: ClinVar variation 2870039 (VCV002870039.3), dbSNP rs1356673747, ClinGen allele CA366508928.

ClinVar aggregate classification (germline): Uncertain significance (1 of 4 stars; one submission).

Allele frequency attached by ClinVar (database versions not stated): gnomAD exomes below 0.00001; gnomAD 0.00001; TOPMed 0.00002.

Submission:

Labcorp Genetics (formerly Invitae), Labcorp
Classification: Uncertain significance. Last evaluated: 2022-11-08. Review status: criteria provided, single submitter. Criteria: Invitae Variant Classification Sherloc (09022015). Collection method: clinical testing. Allele origin: germline.
Comment: In summary, the available evidence is currently insufficient to determine the role of this variant in disease. Therefore, it has been classified as a Variant of Uncertain Significance. Algorithms developed to predict the effect of missense changes on protein structure and function (SIFT, PolyPhen-2, Align-GVGD) all suggest that this variant is likely to be tolerated. This variant has not been reported in the literature in individuals affected with DLL1-related conditions. This variant is present in population databases (no rsID available, gnomAD 0.007%). This sequence change replaces proline, which is neutral and non-polar, with threonine, which is neutral and polar, at codon 240 of the DLL1 protein (p.Pro240Thr).